The following is an entry in ClinVar:

NM_002206.3(ITGA7):c.610G>A (p.Ala204Thr)

Gene: ITGA7 (integrin subunit alpha 7; minus strand). Cytogenetic location: 12q13.2.
Variant type: single nucleotide variant.
Coding change: c.610G>A on transcript NM_002206.3 (MANE Select); coding-DNA position 610, G replaced by A.
Protein change: p.Ala204Thr; replaces alanine 204 with threonine.
Molecular consequence: missense variant. On other transcripts: 5 prime UTR variant (1).
Genome position (GRCh38, 1-based): chr12:55,700,959, C>T on the plus strand (G>A on the coding strand, the complement: ITGA7 is on the minus strand). VCF-style: chr12-55700959-C-T. GRCh37 (hg19) VCF-style: chr12-56094743-C-T.
Other names: p.Ala204Thr; c.610G>A, p.Ala204Thr (NM_001144996.2, NM_001374465.1, NM_001410977.1 and 5 more transcripts); c.319G>A, p.Ala107Thr (NM_001144997.2); c.271G>A, p.Ala91Thr (NM_001367993.1, NM_001414035.1); c.-563G>A (NM_001367994.1); c.427G>A, p.Ala143Thr (NM_001414033.1); short protein forms A107T, A204T, A91T, A143T.
Identifiers: ClinVar variation 432187 (VCV000432187.18), dbSNP rs76770808, ClinGen allele CA6616275.

ClinVar aggregate classification (germline): Likely benign. Review status: criteria provided, multiple submitters, no conflicts (2 of 4 stars). 5 submissions from 5 submitters: Likely benign (4). 1 of the submissions does not count toward it. Last evaluated 2025-12-24.

Conditions:
ITGA7-related disorder. Also called: ITGA7-related condition.
Congenital muscular dystrophy due to integrin alpha-7 deficiency. Also called: Congenital muscular dystrophy with integrin alpha-7 deficiency; Muscular dystrophy, congenital, due to ITGA7 deficiency; MYOPATHY, CONGENITAL, DUE TO INTEGRIN ALPHA-7 DEFICIENCY. Identifiers: Orphanet 34520, MedGen C2750786, MONDO:0013177, OMIM 613204.

Allele frequency attached by ClinVar (database versions not stated): gnomAD exomes 0.00027 and 0.00048; ExAC 0.00058; ESP Exome Variant Server 0.00100; gnomAD 0.00140 and 0.00146; TOPMed 0.00173; 1000 Genomes Project 0.00260; 1000 Genomes Project 30x 0.00265.
gnomAD v4.1: 617 of 1,614,190 alleles (0.038%); highest among the groups gnomAD compares: African/African-American, 0.49%; 1 homozygote.

Submissions (5):

Labcorp Genetics (formerly Invitae), Labcorp
Classification: Likely benign for Congenital muscular dystrophy due to integrin alpha-7 deficiency. Last evaluated: 2025-12-24. Review status: criteria provided, single submitter. Criteria: Invitae Variant Classification Sherloc (09022015). Collection method: clinical testing. Allele origin: germline.

Mayo Clinic Laboratories, Mayo Clinic
Classification: Likely benign. Last evaluated: 2025-03-25. Review status: criteria provided, single submitter. Criteria: ACMG Guidelines, 2015. Collection method: clinical testing. Allele origin: germline. Observed: 1 variant allele.
Comment: BS1, BP4

GeneDx
Classification: Likely benign. Last evaluated: 2018-12-28. Review status: criteria provided, single submitter. Criteria: GeneDx Variant Classification Process June 2021. Collection method: clinical testing. Allele origin: germline. Affected: yes.

Breakthrough Genomics
Classification: Likely benign. Review status: criteria provided, single submitter. Criteria: ACMG Guidelines, 2015. Collection method: not provided. Allele origin: germline. Inheritance: Autosomal recessive inheritance. Affected: yes.

PreventionGenetics, part of Exact Sciences
Classification: Likely benign for ITGA7-related condition. Last evaluated: 2023-02-15. Review status: no assertion criteria provided. Collection method: clinical testing. Allele origin: germline. Not counted in ClinVar's aggregate classification.
Comment: This variant is classified as likely benign based on ACMG/AMP sequence variant interpretation guidelines (Richards et al. 2015 PMID: 25741868, with internal and published modifications).